The following is an entry in ClinVar:

NM_182961.4(SYNE1):c.12371A>C (p.Gln4124Pro)

Gene: SYNE1 (spectrin repeat containing nuclear envelope protein 1; minus strand). Cytogenetic location: 6q25.2.
Variant type: single nucleotide variant.
Coding change: c.12371A>C on transcript NM_182961.4 (MANE Select); coding-DNA position 12371, A replaced by C.
Protein change: p.Gln4124Pro; replaces glutamine 4124 with proline.
Molecular consequence: missense variant.
Genome position (GRCh38, 1-based): chr6:152,336,998, T>G on the plus strand (A>C on the coding strand, the complement: SYNE1 is on the minus strand). VCF-style: chr6-152336998-T-G. GRCh37 (hg19) VCF-style: chr6-152658133-T-G.
Other names: c.12158A>C, p.Gln4053Pro (NM_033071.5); short protein forms Q4053P, Q4124P.
Identifiers: ClinVar variation 448551 (VCV000448551.6), dbSNP rs911413208, ClinGen allele CA150183797.

ClinVar aggregate classification (germline): Uncertain significance. Review status: criteria provided, multiple submitters, no conflicts (2 of 4 stars). 2 submissions from 2 submitters: Uncertain significance (2). Last evaluated 2022-08-06.

Conditions:
Emery-Dreifuss muscular dystrophy 4, autosomal dominant (EDMD4). Also called: EMERY-DREIFUSS MUSCULAR DYSTROPHY 4 WITH VARIABLE FEATURES. Identifiers: Orphanet 261, MedGen C2751807, MONDO:0013071, OMIM 612998.
Autosomal recessive ataxia, Beauce type. Also called: Spinocerebellar ataxia, autosomal recessive 8; ATAXIA, RECESSIVE, OF BEAUCE; SYNE1-Related Autosomal Recessive Cerebellar Ataxia; SYNE1 Deficiency. Identifiers: Orphanet 88644, MedGen C1853116, MONDO:0012549, OMIM 610743.

Allele frequency attached by ClinVar (database versions not stated): gnomAD exomes below 0.00001.
gnomAD v4.1: 2 of 1,613,880 alleles (0.00012%); highest among the groups gnomAD compares: Admixed American, 0.0017%; no homozygotes.

Submissions (2):

Labcorp Genetics (formerly Invitae), Labcorp
Classification: Uncertain significance for Emery-Dreifuss muscular dystrophy 4, autosomal dominant; Autosomal recessive ataxia, Beauce type. Last evaluated: 2022-08-06. Review status: criteria provided, single submitter. Criteria: Invitae Variant Classification Sherloc (09022015). Collection method: clinical testing. Allele origin: germline.
Comment: In summary, the available evidence is currently insufficient to determine the role of this variant in disease. Therefore, it has been classified as a Variant of Uncertain Significance. Algorithms developed to predict the effect of missense changes on protein structure and function are either unavailable or do not agree on the potential impact of this missense change (SIFT: "Deleterious"; PolyPhen-2: "Benign"; Align-GVGD: "Class C0"). ClinVar contains an entry for this variant (Variation ID: 448551). This variant has not been reported in the literature in individuals affected with SYNE1-related conditions. This variant is not present in population databases (gnomAD no frequency). This sequence change replaces glutamine, which is neutral and polar, with proline, which is neutral and non-polar, at codon 4053 of the SYNE1 protein (p.Gln4053Pro).

Athena Diagnostics
Classification: Uncertain significance. Last evaluated: 2016-08-23. Review status: criteria provided, single submitter. Criteria: Athena Diagnostics Criteria. Collection method: clinical testing. Allele origin: germline.